The following is an entry in ClinVar:

ClinVar aggregate classification (germline): Pathogenic (1 of 4 stars; one submission).

Submission:

GeneDx
Classification: Pathogenic. Last evaluated: 2026-04-10. Review status: criteria provided, single submitter. Criteria: GeneDx Variant Classification Process June 2021. Collection method: clinical testing. Allele origin: germline.
Comment: Identified in a patient with clinical features consistent with ANKRD11-related KBG syndrome in published literature (PMID: 31191201); Frameshift variant predicted to result in protein truncation or nonsense mediated decay in a gene for which loss of function is a known mechanism of disease; Not observed at significant frequency in large population cohorts (gnomAD); This variant is associated with the following publications: (PMID: 31191201, 34971082)

NM_013275.6(ANKRD11):c.3222dup (p.Glu1075fs)

Gene: ANKRD11 (ankyrin repeat domain 11; minus strand). Cytogenetic location: 16q24.3.
Variant type: Duplication.
Coding change: c.3222dup on transcript NM_013275.6 (MANE Select); coding-DNA position 3222, one base duplicated (A; older notation c.3222dupA).
Protein change: p.Glu1075fs; shifts the reading frame from glutamic acid 1075.
Molecular consequence: frameshift variant.
Genome position (GRCh38, 1-based): chr16:89,283,320, T duplicated on the plus strand (A on the coding strand, the reverse complement: ANKRD11 is on the minus strand); the first of 3 consecutive T bases (chr16:89,283,320-89,283,322); duplicating any one gives the same sequence. VCF-style (leftmost placement, unchanged base first): chr16-89283319-C-CT. GRCh37 (hg19) VCF-style: chr16-89349727-C-CT.
Other names: c.3222dup, p.Glu1075fs (NM_001256182.2, NM_001256183.2); short protein forms E1075fs.
Identifiers: ClinVar variation 5016706 (VCV005016706.1).